The following is an entry in ClinVar:

NM_000431.4(MVK):c.622dup (p.Ser208fs)

Gene: MVK (mevalonate kinase; plus strand). Cytogenetic location: 12q24.11.
Variant type: Duplication.
Coding change: c.622dup on transcript NM_000431.4 (MANE Select); coding-DNA position 622, one base duplicated (A; older notation c.622dupA).
Protein change: p.Ser208fs; shifts the reading frame from serine 208.
Molecular consequence: frameshift variant. On other transcripts: non-coding transcript variant (4).
Genome position (GRCh38, 1-based): chr12:109,586,116, A duplicated. VCF-style (leftmost placement, unchanged base first): chr12-109586115-C-CA. GRCh37 (hg19) VCF-style: chr12-110023920-C-CA.
Other names: c.622dup, p.Ser208fs (NM_001114185.3, NM_001414511.1, NM_001414512.1 and 1 more transcripts); c.466dup, p.Ser156fs (NM_001301182.2, NM_001414514.1); c.40dup, p.Ser14fs (NM_001414515.1); short protein forms S14fs, S156fs, S208fs.
Identifiers: ClinVar variation 4081743 (VCV004081743.1).

ClinVar aggregate classification (germline): Pathogenic (1 of 4 stars; one submission).

Conditions:
Deficiency of mevalonate kinase. Also called: Mevalonate kinase deficiency. Identifiers: Orphanet 309025, MedGen C0342731, MONDO:0017708.

Submission:

Myriad Genetics, Inc.
Classification: Pathogenic for Deficiency of mevalonate kinase. Last evaluated: 2025-06-30. Review status: criteria provided, single submitter. Criteria: Myriad Autosomal Dominant, Autosomal Recessive and X-Linked Classification Criteria (2023). Collection method: clinical testing. Allele origin: unknown.
Comment: NM_000431.2(MVK):c.622dupA(S208Kfs*69) is a frameshift variant classified as pathogenic in the context of mevalonate kinase deficiency. S208Kfs*69 has not been observed in cases with relevant disease. Relevant functional assessments of this variant are not available in the literature. S208Kfs*69 has been observed in referenced population frequency databases. In summary, NM_000431.2(MVK):c.622dupA(S208Kfs*69) is a frameshift variant in a gene where loss of function is a known mechanism of disease and is predicted to disrupt protein function. Please note: this variant was assessed in the context of healthy population screening.